The following is an entry in ClinVar:

NM_001276270.2(MBD4):c.1193T>C (p.Ile398Thr)

Gene: MBD4 (methyl-CpG binding domain 4, DNA glycosylase; minus strand). Cytogenetic location: 3q21.3.
Variant type: single nucleotide variant.
Coding change: c.1193T>C on transcript NM_001276270.2 (MANE Select); coding-DNA position 1193, T replaced by C.
Protein change: p.Ile398Thr; replaces isoleucine 398 with threonine.
Molecular consequence: missense variant.
Genome position (GRCh38, 1-based): chr3:129,434,127, A>G on the plus strand (T>C on the coding strand, the complement: MBD4 is on the minus strand). VCF-style: chr3-129434127-A-G. GRCh37 (hg19) VCF-style: chr3-129152970-A-G.
Other names: c.1211T>C, p.Ile404Thr (NM_001276271.2, NM_001276272.2, NM_003925.3); c.257T>C, p.Ile86Thr (NM_001276273.2); short protein forms I398T, I404T, I86T.
Identifiers: ClinVar variation 2699331 (VCV002699331.4), dbSNP rs777694522, ClinGen allele CA2605380.

ClinVar aggregate classification (germline): Uncertain significance. Review status: criteria provided, multiple submitters, no conflicts (2 of 4 stars). 2 submissions from 2 submitters: Uncertain significance (2). Last evaluated 2025-02-16.

Conditions:
Inborn genetic diseases. Identifiers: MedGen C0950123, MeSH D030342.

Allele frequency attached by ClinVar (database versions not stated): gnomAD exomes 0.00001; ExAC 0.00002; gnomAD 0.00001.

Submissions (2):

Labcorp Genetics (formerly Invitae), Labcorp
Classification: Uncertain significance. Last evaluated: 2025-02-16. Review status: criteria provided, single submitter. Criteria: Invitae Variant Classification Sherloc (09022015). Collection method: clinical testing. Allele origin: germline.
Comment: This sequence change replaces isoleucine, which is neutral and non-polar, with threonine, which is neutral and polar, at codon 404 of the MBD4 protein (p.Ile404Thr). This variant is present in population databases (rs777694522, gnomAD 0.002%). This variant has not been reported in the literature in individuals affected with MBD4-related conditions. ClinVar contains an entry for this variant (Variation ID: 2699331). An algorithm developed to predict the effect of missense changes on protein structure and function (PolyPhen-2) suggests that this variant is likely to be tolerated. In summary, the available evidence is currently insufficient to determine the role of this variant in disease. Therefore, it has been classified as a Variant of Uncertain Significance.

Ambry Genetics
Classification: Uncertain significance for Inborn genetic diseases. Last evaluated: 2025-02-10. Review status: criteria provided, single submitter. Criteria: Ambry Variant Classification Scheme 2023. Collection method: clinical testing. Allele origin: germline.
Comment: The p.I398T variant (also known as c.1193T>C), located in coding exon 4 of the MBD4 gene, results from a T to C substitution at nucleotide position 1193. The isoleucine at codon 398 is replaced by threonine, an amino acid with similar properties. This amino acid position is not well conserved in available vertebrate species. In addition, the in silico prediction for this alteration is inconclusive. Based on the available evidence, the clinical significance of this variant remains unclear.